The following is an entry in ClinVar:

ClinVar aggregate classification (germline): Uncertain significance. Review status: criteria provided, multiple submitters, no conflicts (2 of 4 stars). 4 submissions from 4 submitters: Uncertain significance (4). Last evaluated 2024-08-12.

Conditions:
Inborn genetic diseases. Identifiers: MedGen C0950123, MeSH D030342.
Spermatogenic failure 72 (SPGF72). Identifiers: MedGen C5676980, MONDO:0030809, OMIM 619867.
Asphyxiating thoracic dystrophy 5 (SRTD5). Also called: SHORT-RIB THORACIC DYSPLASIA 5 WITH OR WITHOUT POLYDACTYLY; SHORT-RIB THORACIC DYSPLASIA 5 WITHOUT POLYDACTYLY. Identifiers: Orphanet 474, MedGen C3280598, MONDO:0013717, OMIM 614376.
Nephronophthisis 13 (NPHP13). Identifiers: Orphanet 655, MedGen C3280612, MONDO:0013718, OMIM 614377.
Cranioectodermal dysplasia 4 (CED4). Identifiers: Orphanet 1515, MedGen C3280616, MONDO:0013719, OMIM 614378.
Senior-Loken syndrome 8 (SLSN8). Identifiers: Orphanet 3156, MedGen C4225376, MONDO:0014579, OMIM 616307.

Allele frequency attached by ClinVar (database versions not stated): gnomAD 0.00004 and 0.00005; gnomAD exomes 0.00004 and 0.00006; TOPMed 0.00007; ExAC 0.00010.
gnomAD v4.1: 73 of 1,602,520 alleles (0.0046%); highest among the groups gnomAD compares: Admixed American, 0.015%; no homozygotes.

Submissions (4):

Labcorp Genetics (formerly Invitae), Labcorp
Classification: Uncertain significance for Senior-Loken syndrome 8; Asphyxiating thoracic dystrophy 5. Last evaluated: 2024-08-12. Review status: criteria provided, single submitter. Criteria: Invitae Variant Classification Sherloc (09022015). Collection method: clinical testing. Allele origin: germline.
Comment: This sequence change replaces aspartic acid, which is acidic and polar, with asparagine, which is neutral and polar, at codon 1168 of the WDR19 protein (p.Asp1168Asn). This variant is present in population databases (rs750250561, gnomAD 0.06%). This variant has not been reported in the literature in individuals affected with WDR19-related conditions. ClinVar contains an entry for this variant (Variation ID: 966166). Advanced modeling of protein sequence and biophysical properties (such as structural, functional, and spatial information, amino acid conservation, physicochemical variation, residue mobility, and thermodynamic stability) has been performed at Invitae for this missense variant, however the output from this modeling did not meet the statistical confidence thresholds required to predict the impact of this variant on WDR19 protein function. In summary, the available evidence is currently insufficient to determine the role of this variant in disease. Therefore, it has been classified as a Variant of Uncertain Significance.

Fulgent Genetics
Classification: Uncertain significance for Asphyxiating thoracic dystrophy 5; Nephronophthisis 13; Cranioectodermal dysplasia 4; Senior-Loken syndrome 8; Spermatogenic failure 72. Last evaluated: 2024-04-20. Review status: criteria provided, single submitter. Criteria: ACMG Guidelines, 2015. Collection method: clinical testing. Allele origin: germline.

Blueprint Genetics
Classification: Uncertain significance. Last evaluated: 2022-08-15. Review status: criteria provided, single submitter. Criteria: ACMG Guidelines, 2015. Collection method: clinical testing. Allele origin: germline.

Ambry Genetics
Classification: Uncertain significance for Inborn genetic diseases. Last evaluated: 2022-05-11. Review status: criteria provided, single submitter. Criteria: Ambry Variant Classification Scheme 2023. Collection method: clinical testing. Allele origin: germline.

NM_025132.4(WDR19):c.3502G>A (p.Asp1168Asn)

Gene: WDR19 (WD repeat domain 19; plus strand). Cytogenetic location: 4p14.
Variant type: single nucleotide variant.
Coding change: c.3502G>A on transcript NM_025132.4 (MANE Select); coding-DNA position 3502, G replaced by A.
Protein change: p.Asp1168Asn; replaces aspartic acid 1168 with asparagine.
Molecular consequence: missense variant.
Genome position (GRCh38, 1-based): chr4:39,272,998, G>A. VCF-style: chr4-39272998-G-A. GRCh37 (hg19) VCF-style: chr4-39274618-G-A.
Other names: c.3022G>A, p.Asp1008Asn (NM_001317924.2); short protein forms D1168N, D1008N.
Identifiers: ClinVar variation 966166 (VCV000966166.10), dbSNP rs750250561, ClinGen allele CA2892400.